The following is an entry in ClinVar:

ClinVar aggregate classification (germline): Uncertain significance (1 of 4 stars; one submission).

Submission:

Labcorp Genetics (formerly Invitae), Labcorp
Classification: Uncertain significance. Last evaluated: 2022-09-09. Review status: criteria provided, single submitter. Criteria: Invitae Variant Classification Sherloc (09022015). Collection method: clinical testing. Allele origin: germline.
Comment: This variant has not been reported in the literature in individuals affected with TTBK2-related conditions. In summary, the available evidence is currently insufficient to determine the role of this variant in disease. Therefore, it has been classified as a Variant of Uncertain Significance. This variant results in a copy number gain of the genomic region encompassing exon(s) 1-3 of the TTBK2 gene. This region includes the initiator codon of the gene. This copy number gain extends beyond the assayed region for this gene and therefore may encompass additional genes. As the precise location of this event is unknown, it may be in tandem or it may be located elsewhere in the genome.

NC_000015.9:g.(?_43164789)_(43270165_?)dup

Genes: TTBK2 (tau tubulin kinase 2; minus strand), UBR1 (ubiquitin protein ligase E3 component n-recognin 1; minus strand). Cytogenetic location: 15q15.2.
Variant type: Duplication.
Identifiers: ClinVar variation 2427501 (VCV002427501.4).